The following is an entry in ClinVar:

ClinVar aggregate classification (germline): Pathogenic/Likely pathogenic. Review status: criteria provided, multiple submitters, no conflicts (2 of 4 stars). 6 submissions from 6 submitters: Pathogenic (3); Likely pathogenic (3). Last evaluated 2026-05-01.

Conditions:
Treacher Collins syndrome 3 (TCS3). Also called: POLR1C-Related Treacher Collins Syndrome. Identifiers: Orphanet 861, MedGen C1855433, MONDO:0009558, OMIM 248390.
Leukodystrophy, hypomyelinating, 11. Identifiers: Orphanet 88637, MedGen C4225305, MONDO:0014666, OMIM 616494.
POLR1C-related disorder. Also called: POLR1C-related condition; POLR1C-related disorders. Identifiers: MedGen CN239394, MONDO:0700278.

Submissions (6):

PreventionGenetics, part of Exact Sciences
Classification: Likely pathogenic for POLR1C-related condition. Last evaluated: 2026-05-01. Review status: criteria provided, single submitter. Criteria: ACMG Guidelines, 2015. Collection method: clinical testing. Allele origin: germline.
Comment: The POLR1C c.916_920del5 variant is predicted to result in a frameshift and premature protein termination (p.Tyr306Leufs*4). This variant was reported along with a second pathogenic POLR1C variant in two siblings with Treacher Collins syndrome, and was absent in one unaffected sibling (Ghesh et al. 2019. PubMed ID: 30957429). This variant is reported in 0.0035% of alleles in individuals of European (Non-Finnish) descent in gnomAD. Frameshift variants in POLR1C are expected to be pathogenic. This variant is interpreted as likely pathogenic.

Labcorp Genetics (formerly Invitae), Labcorp
Classification: Pathogenic. Last evaluated: 2023-08-18. Review status: criteria provided, single submitter. Criteria: Invitae Variant Classification Sherloc (09022015). Collection method: clinical testing. Allele origin: germline.
Comment: For these reasons, this variant has been classified as Pathogenic. Algorithms developed to predict the effect of sequence changes on RNA splicing suggest that this variant may create or strengthen a splice site. ClinVar contains an entry for this variant (Variation ID: 635151). This premature translational stop signal has been observed in individual(s) with leukodystrophy and/or Treacher Collins syndrome (PMID: 30957429, 32042905). In at least one individual the data is consistent with being in trans (on the opposite chromosome) from a pathogenic variant. It has also been observed to segregate with disease in related individuals. This variant is present in population databases (rs767639108, gnomAD 0.004%). This sequence change creates a premature translational stop signal (p.Tyr306Leufs*4) in the POLR1C gene. While this is not anticipated to result in nonsense mediated decay, it is expected to disrupt the last 41 amino acid(s) of the POLR1C protein.

GeneDx
Classification: Likely pathogenic. Last evaluated: 2023-07-25. Review status: criteria provided, single submitter. Criteria: GeneDx Variant Classification Process June 2021. Collection method: clinical testing. Allele origin: germline. Affected: yes.
Comment: Frameshift variant predicted to result in protein truncation or nonsense mediated decay in a gene for which loss of function is a known mechanism of disease; This variant is associated with the following publications: (PMID: 34426522, 610060, 30957429, 33149276, 32042905)

Department of Pathology and Laboratory Medicine, Sinai Health System
Classification: Likely pathogenic for Leukodystrophy, hypomyelinating, 11. Last evaluated: 2022-11-24. Review status: criteria provided, single submitter. Criteria: ACMG Guidelines, 2015. Collection method: research. Allele origin: germline.

Fulgent Genetics
Classification: Pathogenic for Treacher Collins syndrome 3; Leukodystrophy, hypomyelinating, 11. Last evaluated: 2022-01-14. Review status: criteria provided, single submitter. Criteria: ACMG Guidelines, 2015. Collection method: clinical testing. Allele origin: unknown.

MyeliNeuroGene Lab, McGill University Health Center Research Institute
Classification: Pathogenic for Leukodystrophy, hypomyelinating, 11. Review status: criteria provided, single submitter. Criteria: ACMG Guidelines, 2015. Collection method: research. Allele origin: paternal. Inheritance: Autosomal recessive inheritance. Affected: no.

Literature cited by the submitters: PubMed 30957429 (cited by Labcorp Genetics (formerly Invitae), Labcorp); PubMed 32042905 (cited by Labcorp Genetics (formerly Invitae), Labcorp); PubMed 610060 (cited by MyeliNeuroGene Lab, McGill University Health Center Research Institute).

NM_203290.4(POLR1C):c.916_920del (p.Tyr306fs)

Gene: POLR1C (RNA polymerase I and III subunit C; plus strand). Cytogenetic location: 6p21.1.
Variant type: Deletion.
Coding change: c.916_920del on transcript NM_203290.4 (MANE Select); coding-DNA positions 916 to 920, 5 bases deleted (TATAT; older notation c.916_920delTATAT).
Protein change: p.Tyr306fs; shifts the reading frame from tyrosine 306.
Molecular consequence: frameshift variant.
Genome position (GRCh38, 1-based): chr6:43,521,042-43,521,046, TATAT deleted; deleting any 5 consecutive bases within chr6:43,521,040-43,521,046 gives the same sequence; the c. name uses the placement nearest the transcript's 3' end. VCF-style (leftmost placement, unchanged base first): chr6-43521039-CATTAT-C. GRCh37 (hg19) VCF-style: chr6-43488777-CATTAT-C.
Other names: c.916_920del5 (NM_203290.3); c.916_920del, p.Tyr306fs (NM_001318876.2, NM_001363658.2); c.916_920del (NM_203290.2); short protein forms Y306fs.
Identifiers: ClinVar variation 635151 (VCV000635151.10), dbSNP rs767639108, ClinGen allele CA3825619.
Genomic context (GRCh38, chr6:43,521,039, plus strand): 5'-AGAGAAATCTTCCGGAATGAGAAGCTAAAGAAGGTTGTGAGGCTTGCCCGGGTTCGAGAT[CATTAT>C]ATCTGTGAGTATGAAGTGGTGAGATGAGTGGGCAGTGCTCTTTGGTGCTGCAGCTTCCTT-3'